The following is an entry in ClinVar:

NM_004177.5(STX3):c.270C>T (p.Asn90=)

Gene: STX3 (syntaxin 3; plus strand). Cytogenetic location: 11q12.1.
Variant type: single nucleotide variant.
Coding change: c.270C>T on transcript NM_004177.5 (MANE Select); coding-DNA position 270, C replaced by T.
Protein change: p.Asn90=; no amino-acid change (asparagine 90 retained).
Molecular consequence: synonymous variant.
Genome position (GRCh38, 1-based): chr11:59,788,928, C>T. VCF-style: chr11-59788928-C-T. GRCh37 (hg19) VCF-style: chr11-59556401-C-T.
Other names: c.270C>T, p.Asn90= (NM_001178040.3).
Identifiers: ClinVar variation 1980336 (VCV001980336.7), dbSNP rs151157690, ClinGen allele CA6020793.

ClinVar aggregate classification (germline): Likely benign. Review status: criteria provided, multiple submitters, no conflicts (2 of 4 stars). 3 submissions from 3 submitters: Likely benign (2). 1 of the submissions does not count toward it. Last evaluated 2025-05-12.

Conditions:
STX3-related disorder. Also called: STX3-related condition.

Allele frequency attached by ClinVar (database versions not stated): 1000 Genomes Project 30x 0.00031; 1000 Genomes Project 0.00040.
gnomAD v4.1: 51 of 1,610,746 alleles (0.0032%); highest among the groups gnomAD compares: Middle Eastern, 0.033%; no homozygotes.

Submissions (3):

Labcorp Genetics (formerly Invitae), Labcorp
Classification: Likely benign. Last evaluated: 2025-05-12. Review status: criteria provided, single submitter. Criteria: Invitae Variant Classification Sherloc (09022015). Collection method: clinical testing. Allele origin: germline.

Blueprint Genetics
Classification: Likely benign. Last evaluated: 2023-06-15. Review status: criteria provided, single submitter. Criteria: ACMG Guidelines, 2015. Collection method: clinical testing. Allele origin: germline.

PreventionGenetics, part of Exact Sciences
Classification: Likely benign for STX3-related condition. Last evaluated: 2019-07-01. Review status: no assertion criteria provided. Collection method: clinical testing. Allele origin: germline. Not counted in ClinVar's aggregate classification.
Comment: This variant is classified as likely benign based on ACMG/AMP sequence variant interpretation guidelines (Richards et al. 2015 PMID: 25741868, with internal and published modifications).